The following is an entry in ClinVar:

ClinVar aggregate classification (germline): Benign. Review status: criteria provided, multiple submitters, no conflicts (2 of 4 stars). 9 submissions from 9 submitters: Benign (9). Last evaluated 2026-02-02.

Conditions:
Peters plus syndrome. Also called: KRAUSE-KIVLIN SYNDROME. Identifiers: Orphanet 709, MedGen C0796012, MONDO:0009856, OMIM 261540.

Allele frequency attached by ClinVar (database versions not stated): ESP Exome Variant Server 0.33277; gnomAD 0.35942; TOPMed 0.37897; ExAC 0.39877; gnomAD exomes 0.40432; 1000 Genomes Project 30x 0.49688; 1000 Genomes Project 0.50399.
gnomAD v4.1: 537,434 of 1,607,250 alleles (33%); highest among the groups gnomAD compares: East Asian, 72%; 98,488 homozygotes.

Submissions (9):

Labcorp Genetics (formerly Invitae), Labcorp
Classification: Benign for Peters plus syndrome. Last evaluated: 2026-02-02. Review status: criteria provided, single submitter. Criteria: Invitae Variant Classification Sherloc (09022015). Collection method: clinical testing. Allele origin: germline.

Blueprint Genetics
Classification: Benign. Last evaluated: 2024-11-27. Review status: criteria provided, single submitter. Criteria: ACMG Guidelines, 2015. Collection method: clinical testing. Allele origin: germline.

Genome-Nilou Lab
Classification: Benign for Peters plus syndrome. Last evaluated: 2021-07-14. Review status: criteria provided, single submitter. Criteria: ACMG Guidelines, 2015. Collection method: clinical testing. Allele origin: germline. Affected: no.

GeneDx
Classification: Benign. Last evaluated: 2018-06-14. Review status: criteria provided, single submitter. Criteria: GeneDx Variant Classification (06012015). Collection method: clinical testing. Allele origin: germline. Affected: yes.
Comment: This variant is considered likely benign or benign based on one or more of the following criteria: it is a conservative change, it occurs at a poorly conserved position in the protein, it is predicted to be benign by multiple in silico algorithms, and/or has population frequency not consistent with disease.

Illumina Laboratory Services, Illumina
Classification: Benign for Peters plus syndrome. Last evaluated: 2018-01-12. Review status: criteria provided, single submitter. Criteria: ICSL Variant Classification Criteria 13 December 2019. Collection method: clinical testing. Allele origin: germline.
Comment: This variant was observed in the ICSL laboratory as part of a predisposition screen in an ostensibly healthy population. It had not been previously curated by ICSL or reported in the Human Gene Mutation Database (HGMD: prior to June 1st, 2018), and was therefore a candidate for classification through an automated scoring system. Utilizing variant allele frequency, disease prevalence and penetrance estimates, and inheritance mode, an automated score was calculated to assess if this variant is too frequent to cause the disease. Based on the score and internal cut-off values, a variant classified as benign is not then subjected to further curation. The score for this variant resulted in a classification of benign for this disease.

Mayo Clinic Laboratories, Mayo Clinic
Classification: Benign. Last evaluated: 2017-12-21. Review status: criteria provided, single submitter. Criteria: ACMG Guidelines, 2015. Collection method: clinical testing. Allele origin: germline. Observed: 26 variant alleles.

Eurofins Ntd Llc (ga)
Classification: Benign. Last evaluated: 2013-07-03. Review status: criteria provided, single submitter. Criteria: EGL Classification Definitions 2015. Collection method: clinical testing. Allele origin: germline. Observed: 25 variant alleles, 20 heterozygotes, 5 homozygotes.

Breakthrough Genomics
Classification: Benign. Review status: criteria provided, single submitter. Criteria: ACMG Guidelines, 2015. Collection method: not provided. Allele origin: germline. Inheritance: Autosomal recessive inheritance. Affected: yes.

PreventionGenetics, part of Exact Sciences
Classification: Benign. Review status: criteria provided, single submitter. Criteria: ACMG Guidelines, 2015. Collection method: clinical testing. Allele origin: germline.

NM_194318.4(B3GLCT):c.347+4C>T

Gene: B3GLCT (beta 3-glucosyltransferase; plus strand). Cytogenetic location: 13q12.3.
Variant type: single nucleotide variant.
Coding change: c.347+4C>T on transcript NM_194318.4 (MANE Select); 4 bases into the intron after coding-DNA position 347, C replaced by T.
Molecular consequence: intron variant.
Genome position (GRCh38, 1-based): chr13:31,247,103, C>T. VCF-style: chr13-31247103-C-T. GRCh37 (hg19) VCF-style: chr13-31821240-C-T.
Other names: p.?.
Identifiers: ClinVar variation 96627 (VCV000096627.23), dbSNP rs9564692, ClinGen allele CA149629.